The following is an entry in ClinVar:

NM_138576.4(BCL11B):c.2297_2311dup (p.Thr770_Ala771insGlyArgSerGlyThr)

Gene: BCL11B (BCL11 transcription factor B; minus strand). Cytogenetic location: 14q32.2.
Variant type: Duplication.
Coding change: c.2297_2311dup on transcript NM_138576.4 (MANE Select); coding-DNA positions 2297 to 2311, 15 bases duplicated (GCCGCAGCGGCACGG).
Protein change: p.Thr770_Ala771insGlyArgSerGlyThr.
Molecular consequence: inframe insertion.
Genome position (GRCh38, 1-based): chr14:99,174,525-99,174,539, CCGTGCCGCTGCGGC duplicated on the plus strand (GCCGCAGCGGCACGG on the coding strand, the reverse complement: BCL11B is on the minus strand); duplicating any 15 consecutive bases within chr14:99,174,525-99,174,542 gives the same sequence; the c. name uses the placement nearest the transcript's 3' end. VCF-style (leftmost placement, unchanged base first): chr14-99174524-G-GCCGTGCCGCTGCGGC. GRCh37 (hg19) VCF-style: chr14-99640861-G-GCCGTGCCGCTGCGGC.
Other names: c.2294_2308dup, p.Thr769_Ala770insGlyArgSerGlyThr (NM_001282237.2); c.2081_2095dup, p.Thr698_Ala699insGlyArgSerGlyThr (NM_001282238.2); c.2084_2098dup, p.Thr699_Ala700insGlyArgSerGlyThr (NM_022898.3).
Identifiers: ClinVar variation 4713648 (VCV004713648.1).
Genomic context (GRCh38, chr14:99,174,524, plus strand): 5'-TCCTTGGAGCTGGGCCGCCCGGGGCCCGGGCCGCCCAGGTGCGGGGTGCTGCCTCCGCTG[G>GCCGTGCCGCTGCGGC]CCGTGCCGCTGCGGCCCGAGAGGCCGCCGTCCAGCAGGTCCCCGGGCGGCGTGGAGAAGC-3'

ClinVar aggregate classification (germline): Uncertain significance (1 of 4 stars; one submission).

Submission:

Labcorp Genetics (formerly Invitae), Labcorp
Classification: Uncertain significance. Last evaluated: 2025-02-22. Review status: criteria provided, single submitter. Criteria: Invitae Variant Classification Sherloc (09022015). Collection method: clinical testing. Allele origin: germline.
Comment: This variant, c.2297_2311dup, results in the insertion of 5 amino acid(s) of the BCL11B protein (p.Gly766_Thr770dup), but otherwise preserves the integrity of the reading frame. This variant is not present in population databases (gnomAD no frequency). This variant has not been reported in the literature in individuals affected with BCL11B-related conditions. In summary, the available evidence is currently insufficient to determine the role of this variant in disease. Therefore, it has been classified as a Variant of Uncertain Significance.